The following is an entry in ClinVar:

ClinVar aggregate classification (germline): Likely pathogenic (1 of 4 stars; one submission).

Conditions:
Combined immunodeficiency due to DOCK8 deficiency (HIES2). Also called: HYPER-IgE SYNDROME 2, AUTOSOMAL RECESSIVE, WITH RECURRENT INFECTIONS; HIES autosomal recessive; Hyper-IgE recurrent infection syndrome, autosomal recessive; HYPER-IgE RECURRENT INFECTION SYNDROME 2, AUTOSOMAL RECESSIVE; DOCK8 Deficiency. Identifiers: Orphanet 217390, MedGen C4722305, MONDO:0009478, OMIM 243700.

Submission:

Labcorp Genetics (formerly Invitae), Labcorp
Classification: Likely pathogenic for Combined immunodeficiency due to DOCK8 deficiency. Last evaluated: 2025-12-09. Review status: criteria provided, single submitter. Criteria: Invitae Variant Classification Sherloc (09022015). Collection method: clinical testing. Allele origin: germline.
Comment: This sequence change affects an acceptor splice site in intron 26 of the DOCK8 gene. It is expected to disrupt RNA splicing. Variants that disrupt the donor or acceptor splice site typically lead to a loss of protein function (PMID: 16199547), and loss-of-function variants in DOCK8 are known to be pathogenic (PMID: 14722525, 19776401). This variant is not present in population databases (gnomAD no frequency). This variant has not been reported in the literature in individuals affected with DOCK8-related conditions. Algorithms developed to predict the effect of sequence changes on RNA splicing suggest that this variant may disrupt the consensus splice site. In summary, the currently available evidence indicates that the variant is pathogenic, but additional data are needed to prove that conclusively. Therefore, this variant has been classified as Likely Pathogenic.

Literature cited by the submitters: PubMed 16199547; PubMed 14722525; PubMed 19776401.

NM_203447.4(DOCK8):c.3235-1G>C

Gene: DOCK8 (dedicator of cytokinesis 8; plus strand). Cytogenetic location: 9p24.3.
Variant type: single nucleotide variant.
Coding change: c.3235-1G>C on transcript NM_203447.4 (MANE Select); the canonical splice acceptor site of the intron before coding-DNA position 3235, G replaced by C.
Molecular consequence: splice acceptor variant.
Genome position (GRCh38, 1-based): chr9:404,917, G>C. VCF-style: chr9-404917-G-C. GRCh37 (hg19) VCF-style: chr9-404917-G-C.
Other names: c.3031-1G>C (NM_001193536.2); c.2935-1G>C (NM_001190458.2).
Identifiers: ClinVar variation 4732449 (VCV004732449.1).